The following is an entry in ClinVar:

ClinVar aggregate classification (germline): Pathogenic (1 of 4 stars; one submission).

Allele frequency attached by ClinVar (database versions not stated): ExAC 0.00001; gnomAD 0.00001; gnomAD exomes 0.00001; TOPMed 0.00001.

Submission:

Labcorp Genetics (formerly Invitae), Labcorp
Classification: Pathogenic. Last evaluated: 2026-01-11. Review status: criteria provided, single submitter. Criteria: Invitae Variant Classification Sherloc (09022015). Collection method: clinical testing. Allele origin: germline.
Comment: This sequence change creates a premature translational stop signal (p.Tyr436Leufs*13) in the TTC37 gene. It is expected to result in an absent or disrupted protein product. Loss-of-function variants in TTC37 are known to be pathogenic (PMID: 20176027, 21120949). This variant is present in population databases (rs748885294, gnomAD 0.004%). This premature translational stop signal has been observed in individual(s) with trichohepatoenteric syndrome (PMID: 23302111). ClinVar contains an entry for this variant (Variation ID: 2203665). For these reasons, this variant has been classified as Pathogenic.

Literature cited by the submitters: PubMed 20176027; PubMed 21120949; PubMed 23302111.

NM_014639.4(SKIC3):c.1305dup (p.Tyr436fs)

Gene: SKIC3 (SKI3 subunit of superkiller complex; minus strand). Cytogenetic location: 5q15.
Variant type: Duplication.
Coding change: c.1305dup on transcript NM_014639.4 (MANE Select); coding-DNA position 1305, one base duplicated (C; older notation c.1305dupC).
Protein change: p.Tyr436fs; shifts the reading frame from tyrosine 436.
Molecular consequence: frameshift variant.
Genome position (GRCh38, 1-based): chr5:95,525,418, G duplicated on the plus strand (C on the coding strand, the reverse complement: SKIC3 is on the minus strand). VCF-style (leftmost placement, unchanged base first): chr5-95525417-A-AG. GRCh37 (hg19) VCF-style: chr5-94861121-A-AG.
Other names: short protein forms Y436fs.
Identifiers: ClinVar variation 2203665 (VCV002203665.4), dbSNP rs748885294, ClinGen allele CA3347368.